The following is an entry in ClinVar:

NM_001386298.1(CIC):c.1740G>A (p.Arg580=)

Gene: CIC (capicua transcriptional repressor; plus strand). Cytogenetic location: 19q13.2.
Variant type: single nucleotide variant.
Coding change: c.1740G>A on transcript NM_001386298.1 (MANE Select); coding-DNA position 1740, G replaced by A.
Protein change: p.Arg580=; no amino-acid change (arginine 580 retained).
Molecular consequence: synonymous variant.
Genome position (GRCh38, 1-based): chr19:42,273,523, G>A. VCF-style: chr19-42273523-G-A. GRCh37 (hg19) VCF-style: chr19-42777675-G-A.
Other names: c.1740G>A, p.Arg580= (NM_001304815.2, NM_001379480.1, NM_001379482.1 and 1 more transcripts).
Identifiers: ClinVar variation 3046677 (VCV003046677.2), dbSNP rs1019731368, ClinGen allele CA308615511.

ClinVar aggregate classification (germline): Likely benign (0 of 4 stars; one submission).

Conditions:
CIC-related disorder. Also called: CIC-related condition.

Allele frequency attached by ClinVar (database versions not stated): gnomAD 0.00005; TOPMed 0.00007; gnomAD exomes 0.00010.
gnomAD v4.1: 29 of 398,394 alleles (0.0073%); highest among the groups gnomAD compares: Non-Finnish European, 0.013%; no homozygotes.

Submission:

PreventionGenetics, part of Exact Sciences
Classification: Likely benign for CIC-related condition. Last evaluated: 2021-02-22. Review status: no assertion criteria provided. Collection method: clinical testing. Allele origin: germline.
Comment: This variant is classified as likely benign based on ACMG/AMP sequence variant interpretation guidelines (Richards et al. 2015 PMID: 25741868, with internal and published modifications).